The following is an entry in ClinVar:

NM_006901.4(MYO9A):c.7184-8dup

Gene: MYO9A (myosin IXA; minus strand). Cytogenetic location: 15q23.
Variant type: Duplication.
Coding change: c.7184-8dup on transcript NM_006901.4 (MANE Select); 8 bases into the intron before coding-DNA position 7184, one base duplicated (T; older notation c.7184-8dupT).
Molecular consequence: intron variant.
Genome position (GRCh38, 1-based): chr15:71,827,051, A duplicated on the plus strand (T on the coding strand, the reverse complement: MYO9A is on the minus strand); the first of 6 consecutive A bases (chr15:71,827,051-71,827,056); duplicating any one gives the same sequence. VCF-style (leftmost placement, unchanged base first): chr15-71827050-C-CA. GRCh37 (hg19) VCF-style: chr15-72119391-C-CA.
Identifiers: ClinVar variation 3033672 (VCV003033672.2), dbSNP rs748769280, ClinGen allele CA7640680.

ClinVar aggregate classification (germline): Likely benign (0 of 4 stars; one submission).

Conditions:
MYO9A-related disorder. Also called: MYO9A-related condition.

Submission:

PreventionGenetics, part of Exact Sciences
Classification: Likely benign for MYO9A-related condition. Last evaluated: 2019-06-11. Review status: no assertion criteria provided. Collection method: clinical testing. Allele origin: germline.
Comment: This variant is classified as likely benign based on ACMG/AMP sequence variant interpretation guidelines (Richards et al. 2015 PMID: 25741868, with internal and published modifications).